The following is an entry in ClinVar:

ClinVar aggregate classification (germline): Uncertain significance (1 of 4 stars; one submission).

Allele frequency attached by ClinVar (database versions not stated): ExAC 0.00001; 1000 Genomes Project 30x 0.00016; 1000 Genomes Project 0.00020.
gnomAD v4.1: 2 of 1,613,470 alleles (0.00012%); highest among the groups gnomAD compares: African/African-American, 0.0027%; no homozygotes.

Submission:

Labcorp Genetics (formerly Invitae), Labcorp
Classification: Uncertain significance. Last evaluated: 2022-10-13. Review status: criteria provided, single submitter. Criteria: Invitae Variant Classification Sherloc (09022015). Collection method: clinical testing. Allele origin: germline.
Comment: This sequence change replaces aspartic acid, which is acidic and polar, with asparagine, which is neutral and polar, at codon 987 of the NBAS protein (p.Asp987Asn). This variant is present in population databases (rs191666355, gnomAD 0.007%). This variant has not been reported in the literature in individuals affected with NBAS-related conditions. Advanced modeling of protein sequence and biophysical properties (such as structural, functional, and spatial information, amino acid conservation, physicochemical variation, residue mobility, and thermodynamic stability) performed at Invitae indicates that this missense variant is not expected to disrupt NBAS protein function. In summary, the available evidence is currently insufficient to determine the role of this variant in disease. Therefore, it has been classified as a Variant of Uncertain Significance.

NM_015909.4(NBAS):c.2959G>A (p.Asp987Asn)

Gene: NBAS (NBAS subunit of NRZ tethering complex; minus strand). Cytogenetic location: 2p24.3.
Variant type: single nucleotide variant.
Coding change: c.2959G>A on transcript NM_015909.4 (MANE Select); coding-DNA position 2959, G replaced by A.
Protein change: p.Asp987Asn; replaces aspartic acid 987 with asparagine.
Molecular consequence: missense variant. On other transcripts: non-coding transcript variant (1).
Genome position (GRCh38, 1-based): chr2:15,402,280, C>T on the plus strand (G>A on the coding strand, the complement: NBAS is on the minus strand). VCF-style: chr2-15402280-C-T. GRCh37 (hg19) VCF-style: chr2-15542404-C-T.
Other names: short protein forms D987N.
Identifiers: ClinVar variation 2072127 (VCV002072127.4), dbSNP rs191666355, ClinGen allele CA1536204.